The following is an entry in ClinVar:

NM_001184.4(ATR):c.2615C>T (p.Thr872Ile)

Gene: ATR (ATR checkpoint kinase; minus strand). Cytogenetic location: 3q23.
Variant type: single nucleotide variant.
Coding change: c.2615C>T on transcript NM_001184.4 (MANE Select); coding-DNA position 2615, C replaced by T.
Protein change: p.Thr872Ile; replaces threonine 872 with isoleucine.
Molecular consequence: missense variant.
Genome position (GRCh38, 1-based): chr3:142,553,658, G>A on the plus strand (C>T on the coding strand, the complement: ATR is on the minus strand). VCF-style: chr3-142553658-G-A. GRCh37 (hg19) VCF-style: chr3-142272500-G-A.
Other names: c.2423C>T, p.Thr808Ile (NM_001354579.2); c.2615C>T (NM_001184.3); short protein forms T808I, T872I.
Identifiers: ClinVar variation 1393186 (VCV001393186.7), dbSNP rs760532237, ClinGen allele CA2650322.

ClinVar aggregate classification (germline): Uncertain significance. Review status: criteria provided, multiple submitters, no conflicts (2 of 4 stars). 3 submissions from 3 submitters: Uncertain significance (3). Last evaluated 2024-05-07.

Conditions:
Seckel syndrome 1 (SCKL1). Also called: MICROCEPHALIC PRIMORDIAL DWARFISM I. Identifiers: Orphanet 808, MedGen C4551474, MONDO:0008869, OMIM 210600.
Familial cutaneous telangiectasia and oropharyngeal predisposition cancer syndrome. Identifiers: Orphanet 313846, MedGen C3281203, MONDO:0013806, OMIM 614564.

Allele frequency attached by ClinVar (database versions not stated): gnomAD 0.00001; gnomAD exomes 0.00002 and 0.00005; ExAC 0.00003; TOPMed 0.00006.
gnomAD v4.1: 24 of 1,609,446 alleles (0.0015%); highest among the groups gnomAD compares: Admixed American, 0.037%; no homozygotes.

Submissions (3):

Fulgent Genetics
Classification: Uncertain significance for Seckel syndrome 1; Familial cutaneous telangiectasia and oropharyngeal predisposition cancer syndrome. Last evaluated: 2024-05-07. Review status: criteria provided, single submitter. Criteria: ACMG Guidelines, 2015. Collection method: clinical testing. Allele origin: germline.

Labcorp Genetics (formerly Invitae), Labcorp
Classification: Uncertain significance. Last evaluated: 2023-10-13. Review status: criteria provided, single submitter. Criteria: Invitae Variant Classification Sherloc (09022015). Collection method: clinical testing. Allele origin: germline.
Comment: This sequence change replaces threonine, which is neutral and polar, with isoleucine, which is neutral and non-polar, at codon 872 of the ATR protein (p.Thr872Ile). This variant is present in population databases (rs760532237, gnomAD 0.04%). This variant has not been reported in the literature in individuals affected with ATR-related conditions. ClinVar contains an entry for this variant (Variation ID: 1393186). An algorithm developed to predict the effect of missense changes on protein structure and function (PolyPhen-2) suggests that this variant is likely to be disruptive. Algorithms developed to predict the effect of sequence changes on RNA splicing suggest that this variant may disrupt the consensus splice site. In summary, the available evidence is currently insufficient to determine the role of this variant in disease. Therefore, it has been classified as a Variant of Uncertain Significance.

GeneDx
Classification: Uncertain significance. Last evaluated: 2023-05-25. Review status: criteria provided, single submitter. Criteria: GeneDx Variant Classification Process June 2021. Collection method: clinical testing. Allele origin: germline. Affected: yes.
Comment: In silico analysis supports that this missense variant has a deleterious effect on protein structure/function; In silico analysis is inconclusive as to whether the variant alters gene splicing. In the absence of RNA/functional studies, the actual effect of this sequence change is unknown.; Has not been previously published as pathogenic or benign to our knowledge